The following is an entry in ClinVar:

ClinVar aggregate classification (germline): Benign/Likely benign. Review status: criteria provided, multiple submitters, no conflicts (2 of 4 stars). 6 submissions from 6 submitters: Benign (4); Likely benign (2). Last evaluated 2026-01-31.

Conditions:
Finnish type amyloidosis. Also called: Lattice corneal dystrophy associated with familial systemic amyloidosis; Meretoja's syndrome; Lattice dystrophy of the cornea with hereditary generalized amyloidosis; AMYLOIDOSIS DUE TO MUTANT GELSOLIN; AMYLOIDOSIS, HEREDITARY SYSTEMIC 4, FINNISH TYPE; Amyloidosis, familial, Finnish type. Identifiers: Orphanet 85448, MedGen C1622345, MONDO:0007097, OMIM 105120.

Allele frequency attached by ClinVar (database versions not stated): gnomAD 0.00379 and 0.00351; TOPMed 0.00393; ESP Exome Variant Server 0.00415; gnomAD exomes 0.00054 and 0.00094; ExAC 0.00137; 1000 Genomes Project 30x 0.00312; 1000 Genomes Project 0.00319.
gnomAD v4.1: 1,341 of 1,613,022 alleles (0.083%); highest among the groups gnomAD compares: African/African-American, 1.2%; 4 homozygotes.

Submissions (6):

Labcorp Genetics (formerly Invitae), Labcorp
Classification: Benign. Last evaluated: 2026-01-31. Review status: criteria provided, single submitter. Criteria: Invitae Variant Classification Sherloc (09022015). Collection method: clinical testing. Allele origin: germline.

Mayo Clinic Laboratories, Mayo Clinic
Classification: Benign. Last evaluated: 2025-08-27. Review status: criteria provided, single submitter. Criteria: ACMG Guidelines, 2015. Collection method: clinical testing. Allele origin: germline. Observed: 3 variant alleles.
Comment: BS1, BS2, BP4, BP7

Blueprint Genetics
Classification: Likely benign. Last evaluated: 2024-11-25. Review status: criteria provided, single submitter. Criteria: ACMG Guidelines, 2015. Collection method: clinical testing. Allele origin: germline.

CeGaT Center for Human Genetics Tuebingen
Classification: Likely benign. Last evaluated: 2024-04-01. Review status: criteria provided, single submitter. Criteria: CeGaT Center For Human Genetics Tuebingen Variant Classification Criteria Version 2. Collection method: clinical testing. Allele origin: germline. Affected: yes. Observed: 1 variant allele.
Comment: GSN: BP4, BP7, BS1

Illumina Laboratory Services, Illumina
Classification: Benign for Finnish type amyloidosis. Last evaluated: 2018-01-12. Review status: criteria provided, single submitter. Criteria: ICSL Variant Classification Criteria 13 December 2019. Collection method: clinical testing. Allele origin: germline.
Comment: This variant was observed in the ICSL laboratory as part of a predisposition screen in an ostensibly healthy population. It had not been previously curated by ICSL or reported in the Human Gene Mutation Database (HGMD: prior to June 1st, 2018), and was therefore a candidate for classification through an automated scoring system. Utilizing variant allele frequency, disease prevalence and penetrance estimates, and inheritance mode, an automated score was calculated to assess if this variant is too frequent to cause the disease. Based on the score and internal cut-off values, a variant classified as benign is not then subjected to further curation. The score for this variant resulted in a classification of benign for this disease.

Breakthrough Genomics
Classification: Benign. Review status: criteria provided, single submitter. Criteria: ACMG Guidelines, 2015. Collection method: not provided. Allele origin: germline. Inheritance: Autosomal dominant inheritance. Affected: yes.

NM_198252.3(GSN):c.1680C>T (p.Ser560=)

Gene: GSN (gelsolin; plus strand). Cytogenetic location: 9q33.2.
Variant type: single nucleotide variant.
Coding change: c.1680C>T on transcript NM_198252.3 (MANE Select); coding-DNA position 1680, C replaced by T.
Protein change: p.Ser560=; no amino-acid change (serine 560 retained).
Molecular consequence: synonymous variant.
Genome position (GRCh38, 1-based): chr9:121,327,400, C>T. VCF-style: chr9-121327400-C-T. GRCh37 (hg19) VCF-style: chr9-124089678-C-T.
Other names: p.Ser611=; c.1833C>T, p.Ser611= (NM_000177.5); c.1680C>T, p.Ser560= (NM_001127662.2, NM_001127664.2, NM_001127665.2 and 10 more transcripts); c.1788C>T, p.Ser596= (NM_001127663.2); c.1713C>T, p.Ser571= (NM_001127666.2, NM_001127667.2, NM_001353063.2 and 13 more transcripts); c.1731C>T, p.Ser577= (NM_001258029.2); c.1704C>T, p.Ser568= (NM_001258030.2); c.1752C>T, p.Ser584= (NM_001353076.2); and 1 more.
Identifiers: ClinVar variation 734415 (VCV000734415.36), dbSNP rs73660439, ClinGen allele CA5221378.